The following is an entry in ClinVar:

ClinVar aggregate classification (germline): Likely benign. Review status: criteria provided, multiple submitters, no conflicts (2 of 4 stars). 2 submissions from 2 submitters: Likely benign (2). Last evaluated 2024-03-07.

Allele frequency attached by ClinVar (database versions not stated): ExAC 0.00002; gnomAD exomes 0.00014 and 0.00005; gnomAD 0.00005; TOPMed 0.00005.
gnomAD v4.1: 210 of 1,611,006 alleles (0.013%); highest among the groups gnomAD compares: Non-Finnish European, 0.017%; no homozygotes.

Submissions (2):

Labcorp Genetics (formerly Invitae), Labcorp
Classification: Likely benign. Last evaluated: 2024-03-07. Review status: criteria provided, single submitter. Criteria: Invitae Variant Classification Sherloc (09022015). Collection method: clinical testing. Allele origin: germline.

Laboratory for Molecular Medicine, Mass General Brigham Personalized Medicine
Classification: Likely benign. Last evaluated: 2016-06-09. Review status: criteria provided, single submitter. Criteria: LMM Criteria. Collection method: clinical testing. Allele origin: germline. Observed: 1 variant allele.
Comment: p.Ala1459Ala in exon 33 of MYH14: This variant is not expected to have clinical significance because it does not alter an amino acid residue and is not located within the splice consensus sequence. It has been identified in 2/58142 European chromosomes by the Exome Aggregation Consortium (ExAC; dbSNP rs779641478).

NM_001145809.2(MYH14):c.4377C>T (p.Ala1459=)

Gene: MYH14 (myosin heavy chain 14; plus strand). Cytogenetic location: 19q13.33.
Variant type: single nucleotide variant.
Coding change: c.4377C>T on transcript NM_001145809.2 (MANE Select); coding-DNA position 4377, C replaced by T.
Protein change: p.Ala1459=; no amino-acid change (alanine 1459 retained).
Molecular consequence: synonymous variant.
Genome position (GRCh38, 1-based): chr19:50,281,680, C>T. VCF-style: chr19-50281680-C-T. GRCh37 (hg19) VCF-style: chr19-50784937-C-T.
Other names: c.4278C>T, p.Ala1426= (NM_001077186.2); c.4254C>T, p.Ala1418= (NM_024729.4).
Identifiers: ClinVar variation 505056 (VCV000505056.11), dbSNP rs779641478, ClinGen allele CA9593495.